The following is an entry in ClinVar:

ClinVar aggregate classification (germline): Pathogenic (1 of 4 stars; one submission).

Submission:

Labcorp Genetics (formerly Invitae), Labcorp
Classification: Pathogenic. Last evaluated: 2021-06-02. Review status: criteria provided, single submitter. Criteria: Invitae Variant Classification Sherloc (09022015). Collection method: clinical testing. Allele origin: germline.
Comment: For these reasons, this variant has been classified as Pathogenic. This variant has not been reported in the literature in individuals with GFM1-related conditions. This variant is not present in population databases (ExAC no frequency). This sequence change creates a premature translational stop signal (p.Arg390Leufs*17) in the GFM1 gene. It is expected to result in an absent or disrupted protein product. Loss-of-function variants in GFM1 are known to be pathogenic (PMID: 16632485, 17160893).

Literature cited by the submitters: PubMed 16632485; PubMed 17160893.

NM_024996.7(GFM1):c.1167_1168insTT (p.Arg390fs)

Gene: GFM1 (G elongation factor mitochondrial 1; plus strand). Cytogenetic location: 3q25.32.
Variant type: Insertion.
Coding change: c.1167_1168insTT on transcript NM_024996.7 (MANE Select); coding-DNA positions 1167 to 1168, TT inserted.
Protein change: p.Arg390fs; shifts the reading frame from arginine 390.
Molecular consequence: frameshift variant. On other transcripts: non-coding transcript variant (4), intron variant (1).
Genome position: GRCh38 VCF-style: chr3-158659005-A-ATT. GRCh37 (hg19) VCF-style: chr3-158376794-A-ATT.
Other names: c.1224_1225insTT, p.Arg409fs (NM_001308164.2); c.1167_1168insTT, p.Arg390fs (NM_001308166.2); c.1050_1051insTT, p.Arg351fs (NM_001374356.1); c.942_943insTT, p.Arg315fs (NM_001374357.1); c.708_709insTT, p.Arg237fs (NM_001374358.1); c.600_601insTT, p.Arg201fs (NM_001374359.1, NM_001374360.1); c.483_484insTT, p.Arg162fs (NM_001374361.1); c.1141-1869_1141-1868insTT (NM_001374355.1); short protein forms R201fs, R390fs, R409fs, R162fs, R237fs, R351fs, R315fs.
Identifiers: ClinVar variation 1397569 (VCV001397569.6), dbSNP rs2108035416, ClinGen allele CA2573136686.